The following is an entry in ClinVar:

ClinVar aggregate classification (germline): Likely benign (0 of 4 stars; one submission).

Conditions:
PADI6-related disorder. Also called: PADI6-related condition.

Allele frequency attached by ClinVar (database versions not stated): gnomAD exomes 0.00017; ExAC 0.00031; ESP Exome Variant Server 0.00048; gnomAD 0.00111; 1000 Genomes Project 0.00120; TOPMed 0.00122; 1000 Genomes Project 30x 0.00125.
gnomAD v4.1: 418 of 1,612,580 alleles (0.026%); highest among the groups gnomAD compares: African/African-American, 0.38%; 1 homozygote.

Submission:

PreventionGenetics, part of Exact Sciences
Classification: Likely benign for PADI6-related condition. Last evaluated: 2019-02-22. Review status: no assertion criteria provided. Collection method: clinical testing. Allele origin: germline.
Comment: This variant is classified as likely benign based on ACMG/AMP sequence variant interpretation guidelines (Richards et al. 2015 PMID: 25741868, with internal and published modifications).

NM_207421.4(PADI6):c.1851+10G>A

Gene: PADI6 (peptidyl arginine deiminase 6; plus strand). Cytogenetic location: 1p36.13.
Variant type: single nucleotide variant.
Coding change: c.1851+10G>A on transcript NM_207421.4 (MANE Select); 10 bases into the intron after coding-DNA position 1851, G replaced by A.
Molecular consequence: intron variant.
Genome position (GRCh38, 1-based): chr1:17,398,857, G>A. VCF-style: chr1-17398857-G-A. GRCh37 (hg19) VCF-style: chr1-17725353-G-A.
Identifiers: ClinVar variation 3053209 (VCV003053209.2), dbSNP rs2489608, ClinGen allele CA641926.